The following is an entry in ClinVar:

ClinVar aggregate classification (germline): Uncertain significance (1 of 4 stars; one submission).

Conditions:
Familial adenomatous polyposis 1 (FAP1). Also called: POLYPOSIS, ADENOMATOUS INTESTINAL; FAMILIAL ADENOMATOUS POLYPOSIS 1, ATTENUATED. Identifiers: MedGen C2713442, MONDO:0021056, OMIM 175100. Disease mechanism: loss of function.

gnomAD v4.1: 2 of 1,275,498 alleles (0.00016%); highest among the groups gnomAD compares: South Asian, 0.0013%; no homozygotes.

Submission:

Labcorp Genetics (formerly Invitae), Labcorp
Classification: Uncertain significance for Familial adenomatous polyposis 1. Last evaluated: 2026-01-29. Review status: criteria provided, single submitter. Criteria: Invitae Variant Classification Sherloc (09022015). Collection method: clinical testing. Allele origin: germline.
Comment: This variant occurs in a non-coding region of the APC gene. It does not change the encoded amino acid sequence of the APC protein. This variant is not present in population databases (gnomAD no frequency). This variant has not been reported in the literature in individuals affected with APC-related conditions. Experimental studies and prediction algorithms are not available or were not evaluated, and the functional significance of this variant is currently unknown. In summary, the available evidence is currently insufficient to determine the role of this variant in disease. Therefore, it has been classified as a Variant of Uncertain Significance.

NM_001127511.3(APC):c.-99C>T

Gene: APC (APC regulator of Wnt signaling pathway; plus strand). Cytogenetic location: 5q22.2.
Variant type: single nucleotide variant.
Coding change: c.-99C>T on transcript NM_001127511.3; 99 bases upstream of the start codon, C replaced by T.
Molecular consequence: 5 prime UTR variant. On other transcripts: non-coding transcript variant (2).
Genome position (GRCh38, 1-based): chr5:112,707,619, C>T. VCF-style: chr5-112707619-C-T. GRCh37 (hg19) VCF-style: chr5-112043316-C-T.
Other names: c.-282C>T (NM_001354895.2, NM_001407447.1, NM_001407452.1 and 3 more transcripts); c.-99C>T (NM_001354897.2, NM_001354902.2, NM_001407446.1); c.-49C>T (NM_001407448.1, NM_001407450.1, NM_001407457.1 and 1 more transcripts); c.-73C>T (NM_001407453.1); c.-1317C>T (NM_001407470.1, NM_001407472.1).
Identifiers: ClinVar variation 4777225 (VCV004777225.1).
Genomic context (GRCh38, chr5:112,707,619, plus strand): 5'-TGGCCGCCGGAAGCCTAGCCGCTGCTCGGGGGGGACCTGCGGGCTCAGGCCCGGGAGCTG[C>T]GGACCGAGGTTGGCTCGATGCTGTTCCCAGGTACTGTTGTTGGCTGTTGGTGAGGAAGGT-3'